The following is an entry in ClinVar:

ClinVar aggregate classification (germline): not provided (0 of 4 stars; one submission).

Conditions:
Normal pregnancy. Identifiers: MedGen C0232989.

Submission:

Institute of Molecular and Cell Biology, University of Tartu
No classification provided. Condition: Normal pregnancy. Review status: no classification provided. Collection method: case-control. Allele origin: unknown. Affected: yes. Study: Kasak2014.
Comment: The study aimed to determine the contribution of copy number variants in the genetic etiology of normal and complicated pregnancies. The samples represented (i) maternal blood DNA drawn from healthy pregnant women during 1st or 2nd trimester and (ii) maternal and paternal blood DNA drawn at term pregnancy cases representing normal and complicated gestations (severe preeclampsia, PE; gestational diabetes, GD; small-for-gestational age newborn, SGA; large-for-gestational age newborn, LGA). We performed CNV calling based on genome-wide genotyping dataset (Illumina HumanOmniExpress-24-v1 BeadChip) by applying three algorithms, QuantiSNP, GADA (Genome Alteration Detection Algorithm) and CNstream in parallel. The acquired CNV calls were merged with HD-CNV (Hotspot Detector for Copy Number Variants) program and only the CNVs predicted by at least two programs, were considered in subsequent analysis.

Literature cited by the submitters: PubMed 25666259.

NC_000013.11:g.22972099_22979379del

Variant type: Deletion.
Genome position: GRCh38: chr13:22,972,099-22,979,379. GRCh37 (hg19): chr13:23,546,238-23,553,518.
Identifiers: ClinVar variation 157269 (VCV000157269.3), ClinGen allele CA212351.